The following is an entry in ClinVar:

NM_021930.6(RINT1):c.409A>C (p.Thr137Pro)

Gene: RINT1 (RAD50 interactor 1; plus strand). Cytogenetic location: 7q22.3.
Variant type: single nucleotide variant.
Coding change: c.409A>C on transcript NM_021930.6 (MANE Select); coding-DNA position 409, A replaced by C.
Protein change: p.Thr137Pro; replaces threonine 137 with proline.
Molecular consequence: missense variant. On other transcripts: 5 prime UTR variant (3), non-coding transcript variant (1).
Genome position (GRCh38, 1-based): chr7:105,542,543, A>C. VCF-style: chr7-105542543-A-C. GRCh37 (hg19) VCF-style: chr7-105182990-A-C.
Other names: c.175A>C, p.Thr59Pro (NM_001346599.2); c.-611A>C (NM_001346600.2); c.-514A>C (NM_001346601.2); c.-134A>C (NM_001346603.2); short protein forms T137P, T59P.
Identifiers: ClinVar variation 1438846 (VCV001438846.11), dbSNP rs775839295, ClinGen allele CA4426416.

ClinVar aggregate classification (germline): Uncertain significance. Review status: criteria provided, multiple submitters, no conflicts (2 of 4 stars). 2 submissions from 2 submitters: Uncertain significance (2). Last evaluated 2024-08-07.

Allele frequency attached by ClinVar (database versions not stated): TOPMed below 0.00001; gnomAD exomes 0.00001 and 0.00003; ExAC 0.00002.
gnomAD v4.1: 4 of 1,614,186 alleles (0.00025%); highest among the groups gnomAD compares: East Asian, 0.0089%; no homozygotes.

Submissions (2):

Ambry Genetics
Classification: Uncertain significance. Last evaluated: 2024-08-07. Review status: criteria provided, single submitter. Criteria: Ambry Variant Classification Scheme 2023. Collection method: clinical testing. Allele origin: germline.
Comment: The p.T137P variant (also known as c.409A>C), located in coding exon 4 of the RINT1 gene, results from an A to C substitution at nucleotide position 409. The threonine at codon 137 is replaced by proline, an amino acid with highly similar properties. This amino acid position is conserved. In addition, this alteration is predicted to be tolerated by in silico analysis. Since supporting evidence is limited at this time, the clinical significance of this alteration remains unclear.

Labcorp Genetics (formerly Invitae), Labcorp
Classification: Uncertain significance. Last evaluated: 2023-08-01. Review status: criteria provided, single submitter. Criteria: Invitae Variant Classification Sherloc (09022015). Collection method: clinical testing. Allele origin: germline.
Comment: ClinVar contains an entry for this variant (Variation ID: 1438846). In summary, the available evidence is currently insufficient to determine the role of this variant in disease. Therefore, it has been classified as a Variant of Uncertain Significance. An algorithm developed to predict the effect of missense changes on protein structure and function (PolyPhen-2) suggests that this variant is likely to be tolerated. This variant has not been reported in the literature in individuals affected with RINT1-related conditions. This variant is present in population databases (rs775839295, gnomAD 0.03%). This sequence change replaces threonine, which is neutral and polar, with proline, which is neutral and non-polar, at codon 137 of the RINT1 protein (p.Thr137Pro).